The following is an entry in ClinVar:

ClinVar aggregate classification (germline): Uncertain significance. Review status: criteria provided, multiple submitters, no conflicts (2 of 4 stars). 2 submissions from 2 submitters: Uncertain significance (2). Last evaluated 2025-04-09.

Conditions:
Cardiovascular phenotype. Identifiers: MedGen CN230736.

Submissions (2):

Molecular Diagnostic Laboratory for Inherited Cardiovascular Disease, Montreal Heart Institute
Classification: Uncertain significance for Cardiovascular phenotype. Last evaluated: 2025-04-09. Review status: criteria provided, single submitter. Criteria: ACMG Guidelines, 2015. Collection method: clinical testing. Allele origin: germline. Affected: yes.

GeneDx
Classification: Uncertain significance. Last evaluated: 2013-12-31. Review status: criteria provided, single submitter. Criteria: GeneDx Variant Classification (06012015). Collection method: clinical testing. Allele origin: germline. Affected: yes.
Comment: p.Asn1271Ser (AAC>AGC): c.3812 A>G in exon 28 of the MYH7 gene (NM_000257.2). The Asn1271Ser variant in the MYH7 gene has not been reported as a disease-causing mutation or as a benign polymorphism to our knowledge. The Asn1271Ser variant was not observed in approximately 6,500 individuals of European and African American ancestry in the NHLBI Exome Sequencing Project, indicating it is not a common benign variant in these populations. Mutations in nearby residues (Ala1263Glu, Arg1277Gln) have been reported in association with HCM, supporting the functional importance of this region of the protein. The Asn1271Ser residue is conserved across species. However, the Asn1271Ser variant is a conservative amino acid substitution as these residues share similar properties, and are least likely to impact secondary structure. Furthermore, in silico analysis predicts Asn1271Ser is benign to the protein structure/function. With the clinical and molecular information available at this time, we cannot definitively determine if Asn1271Ser is a disease-causing mutation or a rare benign variant. The variant is found in HCM panel(s).

NM_000257.4(MYH7):c.3812A>G (p.Asn1271Ser)

Gene: MYH7 (myosin heavy chain 7; minus strand). Cytogenetic location: 14q11.2.
Variant type: single nucleotide variant.
Coding change: c.3812A>G on transcript NM_000257.4 (MANE Select); coding-DNA position 3812, A replaced by G.
Protein change: p.Asn1271Ser; replaces asparagine 1271 with serine.
Molecular consequence: missense variant.
Genome position (GRCh38, 1-based): chr14:23,419,524, T>C on the plus strand (A>G on the coding strand, the complement: MYH7 is on the minus strand). VCF-style: chr14-23419524-T-C. GRCh37 (hg19) VCF-style: chr14-23888733-T-C.
Other names: p.N1271S:AAC>AGC; c.3812A>G (LRG_384t1, NM_000257.3); short protein forms N1271S.
Identifiers: ClinVar variation 181234 (VCV000181234.3), dbSNP rs730880783, ClinGen allele CA014115.
Genomic context (GRCh38, chr14:23,419,524, plus strand): 5'-GCCCCTGCTCTAGGCTCACCATTCTCGGTTTGCAACTTGGCCCGCTGGCTGGTGAGGTCG[T>C]TGACAGAACGCTGGGTCTCCTCCGCCTTGCTCCGGTGCTCATTCATCTGGTCTTCCAAGG-3'
Protein context (NP_000248.2, residues 1261-1281): SKAEETQRSV[Asn1271Ser]DLTSQRAKLQ